The following is an entry in ClinVar:

ClinVar aggregate classification (germline): Conflicting classifications of pathogenicity. Review status: criteria provided, conflicting classifications (1 of 4 stars). 3 submissions from 3 submitters: Uncertain significance (1); Likely benign (2). Last evaluated 2026-01-25.

Conditions:
Cockayne syndrome type 1. Also called: Cockayne syndrome type I; Cockayne syndrome classical; Cockayne syndrome classic form. Identifiers: Orphanet 191, Orphanet 90321, MedGen C0751039, MONDO:0019569, OMIM 216400.
UV-sensitive syndrome 2 (UVSS2). Identifiers: Orphanet 178338, MedGen C3553298, MONDO:0013829, OMIM 614621.

Allele frequency attached by ClinVar (database versions not stated): ExAC 0.00044; 1000 Genomes Project 0.00080; gnomAD below 0.00001 and 0.00015; TOPMed 0.00002; gnomAD exomes 0.00020 and 0.00040.
gnomAD v4.1: 328 of 1,612,878 alleles (0.02%); highest among the groups gnomAD compares: South Asian, 0.34%; 1 homozygote.

Submissions (3):

Labcorp Genetics (formerly Invitae), Labcorp
Classification: Likely benign. Last evaluated: 2026-01-25. Review status: criteria provided, single submitter. Criteria: Invitae Variant Classification Sherloc (09022015). Collection method: clinical testing. Allele origin: germline.

Department of Pathology and Laboratory Medicine, Sinai Health System
Classification: Uncertain significance for Cockayne syndrome type 1; UV-sensitive syndrome 2. Last evaluated: 2022-12-12. Review status: criteria provided, single submitter. Criteria: ACMG Guidelines, 2015. Collection method: research. Allele origin: germline.

Illumina Laboratory Services, Illumina
Classification: Likely benign for Cockayne syndrome type 1. Last evaluated: 2018-01-13. Review status: criteria provided, single submitter. Criteria: ICSL Variant Classification Criteria 13 December 2019. Collection method: clinical testing. Allele origin: germline.
Comment: This variant was observed in the ICSL laboratory as part of a predisposition screen in an ostensibly healthy population. It had not been previously curated by ICSL or reported in the Human Gene Mutation Database (HGMD: prior to June 1st, 2018), and was therefore a candidate for classification through an automated scoring system. Utilizing variant allele frequency, disease prevalence and penetrance estimates, and inheritance mode, an automated score was calculated to assess if this variant is too frequent to cause the disease. Based on the score and internal cut-off values, a variant classified as likely benign is not then subjected to further curation. The score for this variant resulted in a classification of likely benign for this disease.

NM_000082.4(ERCC8):c.1105G>C (p.Val369Leu)

Gene: ERCC8 (ERCC excision repair 8, CSA ubiquitin ligase complex subunit; minus strand). Cytogenetic location: 5q12.1.
Variant type: single nucleotide variant.
Coding change: c.1105G>C on transcript NM_000082.4 (MANE Select); coding-DNA position 1105, G replaced by C.
Protein change: p.Val369Leu; replaces valine 369 with leucine.
Molecular consequence: missense variant.
Genome position (GRCh38, 1-based): chr5:60,887,457, C>G on the plus strand (G>C on the coding strand, the complement: ERCC8 is on the minus strand). VCF-style: chr5-60887457-C-G. GRCh37 (hg19) VCF-style: chr5-60183284-C-G.
Other names: c.931G>C, p.Val311Leu (NM_001007233.3); c.646G>C, p.Val216Leu (NM_001290285.2); short protein forms V369L, V311L, V216L.
Identifiers: ClinVar variation 354013 (VCV000354013.16), dbSNP rs543291626, ClinGen allele CA3277626.